The following is an entry in ClinVar:

NM_003664.5(AP3B1):c.1180A>G (p.Thr394Ala)

Gene: AP3B1 (adaptor related protein complex 3 subunit beta 1; minus strand). Cytogenetic location: 5q14.1.
Variant type: single nucleotide variant.
Coding change: c.1180A>G on transcript NM_003664.5 (MANE Select); coding-DNA position 1180, A replaced by G.
Protein change: p.Thr394Ala; replaces threonine 394 with alanine.
Molecular consequence: missense variant.
Genome position (GRCh38, 1-based): chr5:78,165,660, T>C on the plus strand (A>G on the coding strand, the complement: AP3B1 is on the minus strand). VCF-style: chr5-78165660-T-C. GRCh37 (hg19) VCF-style: chr5-77461484-T-C.
Other names: c.1033A>G, p.Thr345Ala (NM_001271769.2); c.1180A>G, p.Thr394Ala (NM_001410752.1); short protein forms T345A, T394A.
Identifiers: ClinVar variation 1979662 (VCV001979662.5), dbSNP rs1743585304, ClinGen allele CA360190654.
Genomic context (GRCh38, chr5:78,165,660, plus strand): 5'-GTACACAAACCTGAAATTCTCGAAGAAGAGTTGATATGTTGGCTTCATTTGCCAAGTTTG[T>C]CAAAATTTCAAGCTATAGTAGAGAAAAGAGAAAGTAAACATTTTAAAACAAAGGTAGCAA-3'
Protein context (NP_003655.3, residues 384-404): MIKTLKLEIL[Thr394Ala]NLANEANIST

ClinVar aggregate classification (germline): Uncertain significance. Review status: criteria provided, multiple submitters, no conflicts (2 of 4 stars). 2 submissions from 2 submitters: Uncertain significance (2). Last evaluated 2024-04-22.

Conditions:
Hermansky-Pudlak syndrome 2 (HPS2). Also called: Platelet defects and oculocutaneous albinism. Identifiers: Orphanet 183678, Orphanet 79430, MedGen C1842362, MONDO:0011997, OMIM 608233.

Allele frequency attached by ClinVar (database versions not stated): TOPMed below 0.00001.

Submissions (2):

Blueprint Genetics
Classification: Uncertain significance. Last evaluated: 2024-04-22. Review status: criteria provided, single submitter. Criteria: ACMG Guidelines, 2015. Collection method: clinical testing. Allele origin: germline.

Labcorp Genetics (formerly Invitae), Labcorp
Classification: Uncertain significance for Hermansky-Pudlak syndrome 2. Last evaluated: 2022-08-09. Review status: criteria provided, single submitter. Criteria: Invitae Variant Classification Sherloc (09022015). Collection method: clinical testing. Allele origin: germline.
Comment: This sequence change replaces threonine, which is neutral and polar, with alanine, which is neutral and non-polar, at codon 394 of the AP3B1 protein (p.Thr394Ala). This variant is not present in population databases (gnomAD no frequency). This variant has not been reported in the literature in individuals affected with AP3B1-related conditions. In summary, the available evidence is currently insufficient to determine the role of this variant in disease. Therefore, it has been classified as a Variant of Uncertain Significance. Algorithms developed to predict the effect of missense changes on protein structure and function are either unavailable or do not agree on the potential impact of this missense change (SIFT: "Deleterious"; PolyPhen-2: "Possibly Damaging"; Align-GVGD: "Class C0").